The following is an entry in ClinVar:

NM_017662.5(TRPM6):c.511G>A (p.Gly171Arg)

Gene: TRPM6 (transient receptor potential cation channel subfamily M member 6; minus strand). Cytogenetic location: 9q21.13.
Variant type: single nucleotide variant.
Coding change: c.511G>A on transcript NM_017662.5 (MANE Select); coding-DNA position 511, G replaced by A.
Protein change: p.Gly171Arg; replaces glycine 171 with arginine.
Molecular consequence: missense variant.
Genome position (GRCh38, 1-based): chr9:74,840,057, C>T on the plus strand (G>A on the coding strand, the complement: TRPM6 is on the minus strand). VCF-style: chr9-74840057-C-T. GRCh37 (hg19) VCF-style: chr9-77454973-C-T.
Other names: p.Gly171Arg; c.496G>A, p.Gly166Arg (NM_001177310.2, NM_001177311.2); short protein forms G166R, G171R.
Identifiers: ClinVar variation 719280 (VCV000719280.18), dbSNP rs150874152, ClinGen allele CA5085132.

ClinVar aggregate classification (germline): Benign/Likely benign. Review status: criteria provided, multiple submitters, no conflicts (2 of 4 stars). 5 submissions from 5 submitters: Benign (2); Likely benign (2). 1 of the submissions does not count toward it. Last evaluated 2026-05-01.

Conditions:
Intestinal hypomagnesemia 1. Also called: HYPOMAGNESEMIA, INTESTINAL, WITH SECONDARY HYPOCALCEMIA; HYPOMAGNESEMIC TETANY. Identifiers: Orphanet 30924, MedGen C1865974, MONDO:0011176, OMIM 602014.
TRPM6-related disorder. Also called: TRPM6-related condition.

Allele frequency attached by ClinVar (database versions not stated): 1000 Genomes Project 0.00180; 1000 Genomes Project 30x 0.00203; gnomAD exomes 0.00234 and 0.00407; TOPMed 0.00244; ExAC 0.00255; gnomAD 0.00271 and 0.00278; ESP Exome Variant Server 0.00384.

Submissions (5):

CeGaT Center for Human Genetics Tuebingen
Classification: Likely benign. Last evaluated: 2026-05-01. Review status: criteria provided, single submitter. Criteria: CeGaT Center For Human Genetics Tuebingen Variant Classification Criteria Version 2. Collection method: clinical testing. Allele origin: germline. Affected: yes. Observed: 1 variant allele.
Comment: TRPM6: BS2

Labcorp Genetics (formerly Invitae), Labcorp
Classification: Benign. Last evaluated: 2026-01-24. Review status: criteria provided, single submitter. Criteria: Invitae Variant Classification Sherloc (09022015). Collection method: clinical testing. Allele origin: germline.

Mayo Clinic Laboratories, Mayo Clinic
Classification: Benign. Last evaluated: 2023-04-14. Review status: criteria provided, single submitter. Criteria: ACMG Guidelines, 2015. Collection method: clinical testing. Allele origin: germline. Observed: 4 variant alleles.
Comment: BS1, BS2

Illumina Laboratory Services, Illumina
Classification: Likely benign for Intestinal hypomagnesemia 1. Last evaluated: 2018-01-13. Review status: criteria provided, single submitter. Criteria: ICSL Variant Classification Criteria 13 December 2019. Collection method: clinical testing. Allele origin: germline.
Comment: This variant was observed in the ICSL laboratory as part of a predisposition screen in an ostensibly healthy population. It had not been previously curated by ICSL or reported in the Human Gene Mutation Database (HGMD: prior to June 1st, 2018), and was therefore a candidate for classification through an automated scoring system. Utilizing variant allele frequency, disease prevalence and penetrance estimates, and inheritance mode, an automated score was calculated to assess if this variant is too frequent to cause the disease. Based on the score and internal cut-off values, a variant classified as likely benign is not then subjected to further curation. The score for this variant resulted in a classification of likely benign for this disease.

PreventionGenetics, part of Exact Sciences
Classification: Likely benign for TRPM6-related condition. Last evaluated: 2022-07-12. Review status: no assertion criteria provided. Collection method: clinical testing. Allele origin: germline. Not counted in ClinVar's aggregate classification.
Comment: This variant is classified as likely benign based on ACMG/AMP sequence variant interpretation guidelines (Richards et al. 2015 PMID: 25741868, with internal and published modifications).